The following is an entry in ClinVar:

ClinVar aggregate classification (germline): Benign (1 of 4 stars; one submission).

Allele frequency attached by ClinVar (database versions not stated): gnomAD 0.70073 and 0.70288; TOPMed 0.72563; 1000 Genomes Project 0.80112; 1000 Genomes Project 30x 0.80137.
gnomAD v4.1: 106,695 of 152,156 alleles (70%); highest among the groups gnomAD compares: East Asian, 95%; 39,187 homozygotes.

Submission:

GeneDx
Classification: Benign. Last evaluated: 2018-06-14. Review status: criteria provided, single submitter. Criteria: GeneDx Variant Classification (06012015). Collection method: clinical testing. Allele origin: germline. Affected: yes.
Comment: This variant is considered likely benign or benign based on one or more of the following criteria: it is a conservative change, it occurs at a poorly conserved position in the protein, it is predicted to be benign by multiple in silico algorithms, and/or has population frequency not consistent with disease.

NM_017617.5(NOTCH1):c.6180+176T>C

Genes: NOTCH1 (notch receptor 1; minus strand), LOC126860794 (BRD4-independent group 4 enhancer GRCh37_chr9:139392592-139393791; plus strand). Cytogenetic location: 9q34.3.
Variant type: single nucleotide variant.
Coding change: c.6180+176T>C on transcript NM_017617.5 (MANE Select); 176 bases into the intron after coding-DNA position 6180, T replaced by C.
Molecular consequence: intron variant.
Genome position (GRCh38, 1-based): chr9:136,498,723, A>G on the plus strand (T>C on the coding strand, the complement: NOTCH1 is on the minus strand). VCF-style: chr9-136498723-A-G. GRCh37 (hg19) VCF-style: chr9-139393175-A-G.
Identifiers: ClinVar variation 678115 (VCV000678115.1), dbSNP rs3124593, ClinGen allele CA13041477.